The following is an entry in ClinVar:

ClinVar aggregate classification (germline): Uncertain significance. Review status: criteria provided, multiple submitters, no conflicts (2 of 4 stars). 2 submissions from 2 submitters: Uncertain significance (2). Last evaluated 2025-07-01.

Conditions:
Inborn genetic diseases. Identifiers: MedGen C0950123, MeSH D030342.

Allele frequency attached by ClinVar (database versions not stated): TOPMed 0.00005; gnomAD 0.00006; gnomAD exomes 0.00006.
gnomAD v4.1: 71 of 1,018,480 alleles (0.007%); highest among the groups gnomAD compares: Non-Finnish European, 0.0067%; no homozygotes.

Submissions (2):

Ambry Genetics
Classification: Uncertain significance for Inborn genetic diseases. Last evaluated: 2025-07-01. Review status: criteria provided, single submitter. Criteria: Ambry Variant Classification Scheme 2023. Collection method: clinical testing. Allele origin: germline.

Labcorp Genetics (formerly Invitae), Labcorp
Classification: Uncertain significance. Last evaluated: 2022-02-03. Review status: criteria provided, single submitter. Criteria: Invitae Variant Classification Sherloc (09022015). Collection method: clinical testing. Allele origin: germline.
Comment: This sequence change replaces proline, which is neutral and non-polar, with serine, which is neutral and polar, at codon 45 of the ADAMTS17 protein (p.Pro45Ser). This variant is present in population databases (no rsID available, gnomAD 0.01%). This variant has not been reported in the literature in individuals affected with ADAMTS17-related conditions. Algorithms developed to predict the effect of missense changes on protein structure and function are either unavailable or do not agree on the potential impact of this missense change (SIFT: "Not Available"; PolyPhen-2: "Benign"; Align-GVGD: "Not Available"). In summary, the available evidence is currently insufficient to determine the role of this variant in disease. Therefore, it has been classified as a Variant of Uncertain Significance.

NM_139057.4(ADAMTS17):c.133C>T (p.Pro45Ser)

Gene: ADAMTS17 (ADAM metallopeptidase with thrombospondin type 1 motif 17; minus strand). Cytogenetic location: 15q26.3.
Variant type: single nucleotide variant.
Coding change: c.133C>T on transcript NM_139057.4 (MANE Select); coding-DNA position 133, C replaced by T.
Protein change: p.Pro45Ser; replaces proline 45 with serine.
Molecular consequence: missense variant.
Genome position (GRCh38, 1-based): chr15:100,341,356, G>A on the plus strand (C>T on the coding strand, the complement: ADAMTS17 is on the minus strand). VCF-style: chr15-100341356-G-A. GRCh37 (hg19) VCF-style: chr15-100881561-G-A.
Other names: c.133C>T (NM_139057.2); short protein forms P45S.
Identifiers: ClinVar variation 2195405 (VCV002195405.2), dbSNP rs990567774, ClinGen allele CA275938209.
Genomic context (GRCh38, chr15:100,341,356, plus strand): 5'-GGCGTCGCCGCCGTCGGGGCCCGGGGGCTGCGGGCAGCGGCGGCAGGTGCACGTCGTCGG[G>A]GCGCACCCGCCACGGGAGCACCACCTCCACGTCGGCCGCCGCGTCGCCGACAGCTGCGGG-3'
Protein context (NP_620688.2, residues 35-55): VEVVLPWRVR[Pro45Ser]DDVHLPPLPA